The following is an entry in ClinVar:

ClinVar aggregate classification (germline): Uncertain significance (1 of 4 stars; one submission).

Submission:

Labcorp Genetics (formerly Invitae), Labcorp
Classification: Uncertain significance. Last evaluated: 2025-07-21. Review status: criteria provided, single submitter. Criteria: Invitae Variant Classification Sherloc (09022015). Collection method: clinical testing. Allele origin: germline.
Comment: This sequence change replaces glutamic acid, which is acidic and polar, with glutamine, which is neutral and polar, at codon 145 of the TOP2B protein (p.Glu145Gln). This variant is not present in population databases (gnomAD no frequency). This variant has not been reported in the literature in individuals affected with TOP2B-related conditions. An algorithm developed to predict the effect of missense changes on protein structure and function (PolyPhen-2) suggests that this variant is likely to be tolerated. In summary, the available evidence is currently insufficient to determine the role of this variant in disease. Therefore, it has been classified as a Variant of Uncertain Significance.

NM_001330700.2(TOP2B):c.448G>C (p.Glu150Gln)

Gene: TOP2B (DNA topoisomerase II beta; minus strand). Cytogenetic location: 3p24.2.
Variant type: single nucleotide variant.
Coding change: c.448G>C on transcript NM_001330700.2 (MANE Select); coding-DNA position 448, G replaced by C.
Protein change: p.Glu150Gln; replaces glutamic acid 150 with glutamine.
Molecular consequence: missense variant.
Genome position (GRCh38, 1-based): chr3:25,638,258, C>G on the plus strand (G>C on the coding strand, the complement: TOP2B is on the minus strand). VCF-style: chr3-25638258-C-G. GRCh37 (hg19) VCF-style: chr3-25679749-C-G.
Other names: c.433G>C, p.Glu145Gln (NM_001068.3); short protein forms E145Q, E150Q.
Identifiers: ClinVar variation 4798198 (VCV004798198.1).